The following is an entry in ClinVar:

ClinVar aggregate classification (germline): Uncertain significance. Review status: criteria provided, multiple submitters, no conflicts (2 of 4 stars). 2 submissions from 2 submitters: Uncertain significance (2). Last evaluated 2020-05-25.

Conditions:
Hereditary spastic paraplegia 11. Also called: Spastic paraplegia, mental retardation and thin corpus callosum; Nakamura Osame syndrome; Autosomal recessive hereditary spastic paraplegia, mental impairment, and thin corpus callosum; SPASTIC PARAPLEGIA, AUTOSOMAL RECESSIVE, COMPLICATED, WITH THIN CORPUS CALLOSUM; SPASTIC PARAPLEGIA, AUTOSOMAL RECESSIVE, WITH MENTAL IMPAIRMENT AND THIN CORPUS CALLOSUM; Spastic Paraplegia 11. Identifiers: Orphanet 2822, MedGen C1858479, MONDO:0011445, OMIM 604360.

Allele frequency attached by ClinVar (database versions not stated): gnomAD exomes below 0.00001 and 0.00001.
gnomAD v4.1: 2 of 1,614,134 alleles (0.00012%); highest among the groups gnomAD compares: Non-Finnish European, 0.00017%; no homozygotes.

Submissions (2):

Victorian Clinical Genetics Services, Murdoch Childrens Research Institute
Classification: Uncertain significance for Hereditary spastic paraplegia 11. Last evaluated: 2020-05-25. Review status: criteria provided, single submitter. Criteria: ACMG Guidelines, 2015. Collection method: clinical testing. Allele origin: germline. Inheritance: Autosomal recessive inheritance.
Comment: A heterozygous missense variant was identified, NM_025137.3(SPG11):c.6428A>C in exon 34 of 40 of the SPG11 gene. This substitution is predicted to create a moderate amino acid change from a histidine to a proline at position 2143 of the protein; NP_079413.3(SPG11):p.(His2143Pro). The histidine at this position has low conservation (100 vertebrates, UCSC), and is located within the spatacsin C-terminal domain (NCBI, PDB, Decipher). In silico software predictions of the pathogenicity of this variant are conflicting (PolyPhen2, SIFT, CADD, Mutation Taster). The variant is present in the gnomAD database at a global population frequency of 0.0008% (2 heterozygotes, 0 homozygotes) with a European sub-population frequency of 0.002%. This variant has been previously reported as a VUS in ClinVar. Based on information available at the time of curation, this variant has been classified as a VUS.

Labcorp Genetics (formerly Invitae), Labcorp
Classification: Uncertain significance for Hereditary spastic paraplegia 11. Last evaluated: 2018-10-06. Review status: criteria provided, single submitter. Criteria: Invitae Variant Classification Sherloc (09022015). Collection method: clinical testing. Allele origin: germline.
Comment: This sequence change replaces histidine with proline at codon 2143 of the SPG11 protein (p.His2143Pro). The histidine residue is weakly conserved and there is a moderate physicochemical difference between histidine and proline. This variant is not present in population databases (ExAC no frequency). This variant has not been reported in the literature in individuals with SPG11-related disease. Algorithms developed to predict the effect of missense changes on protein structure and function are either unavailable or do not agree on the potential impact of this missense change (SIFT: "Deleterious"; PolyPhen-2: "Benign"; Align-GVGD: "Class C15"). In summary, the available evidence is currently insufficient to determine the role of this variant in disease. Therefore, it has been classified as a Variant of Uncertain Significance.

NM_025137.4(SPG11):c.6428A>C (p.His2143Pro)

Gene: SPG11 (SPG11 vesicle trafficking associated, spatacsin; minus strand). Cytogenetic location: 15q21.1.
Variant type: single nucleotide variant.
Coding change: c.6428A>C on transcript NM_025137.4 (MANE Select); coding-DNA position 6428, A replaced by C.
Protein change: p.His2143Pro; replaces histidine 2143 with proline.
Molecular consequence: missense variant.
Genome position (GRCh38, 1-based): chr15:44,570,574, T>G on the plus strand (A>C on the coding strand, the complement: SPG11 is on the minus strand). VCF-style: chr15-44570574-T-G. GRCh37 (hg19) VCF-style: chr15-44862772-T-G.
Other names: c.6089A>C, p.His2030Pro (NM_001160227.2); short protein forms H2030P, H2143P.
Identifiers: ClinVar variation 660568 (VCV000660568.8), dbSNP rs1490278448, ClinGen allele CA392216335.
Genomic context (GRCh38, chr15:44,570,574, plus strand): 5'-GGGCTACTTACCACCAGCCCATACTCCTCACTGGGGGCCAGGTGGTTATCTGTGAGCATG[T>G]GGGCGGCCTGTAGGACTCGGATGATGCCCTCCATGTGGCACGTCAGGGTGAAGCAATGAT-3'
Protein context (NP_079413.3, residues 2133-2153): EGIIRVLQAA[His2143Pro]MLTDNHLAPS